The following is an entry in ClinVar:

ClinVar aggregate classification (germline): Pathogenic (1 of 4 stars; one submission).

Conditions:
VPS13A-related neurodegenerative disease. Also called: VPS13A Disease; Choreaacanthocytosis; Choreoacanthocytosis; Chorea-acanthocytosis; ACANTHOCYTOSIS WITH NEUROLOGIC DISORDER; LEVINE-CRITCHLEY SYNDROME. Identifiers: Orphanet 2388, MedGen C0393576, MONDO:0008695, OMIM 200150.

Submission:

Myriad Genetics, Inc.
Classification: Pathogenic for VPS13A-related neurodegenerative disease. Last evaluated: 2025-07-23. Review status: criteria provided, single submitter. Criteria: Myriad Autosomal Dominant, Autosomal Recessive and X-Linked Classification Criteria (2023). Collection method: clinical testing. Allele origin: unknown.
Comment: NM_033305.2(VPS13A):c.8543_8544del2ins15(Y2848Cfs*11) is a frameshift variant classified as pathogenic in the context of VPS13A disease. Y2848Cfs*11 has not been observed in cases with relevant disease. Relevant functional assessments of this variant are not available in the literature. Y2848Cfs*11 has not been observed in referenced population frequency databases. In summary, NM_033305.2(VPS13A):c.8543_8544del2ins15(Y2848Cfs*11) is a frameshift variant in a gene where loss of function is a known mechanism of disease and is predicted to disrupt protein function. Please note: this variant was assessed in the context of healthy population screening.

NM_033305.3(VPS13A):c.8543_8544delinsGTTTTGACACTGAAG (p.Tyr2848fs)

Gene: VPS13A (vacuolar protein sorting 13 homolog A; plus strand). Cytogenetic location: 9q21.2.
Variant type: Indel.
Coding change: c.8543_8544delinsGTTTTGACACTGAAG on transcript NM_033305.3 (MANE Select); coding-DNA positions 8543 to 8544, AT replaced by GTTTTGACACTGAAG.
Protein change: p.Tyr2848fs; shifts the reading frame from tyrosine 2848.
Molecular consequence: frameshift variant.
Genome position (GRCh38, 1-based): chr9:77,368,126-77,368,127, AT replaced by GTTTTGACACTGAAG. VCF-style: chr9-77368126-AT-GTTTTGACACTGAAG. GRCh37 (hg19) VCF-style: chr9-79983042-AT-GTTTTGACACTGAAG.
Other names: c.8426_8427delinsGTTTTGACACTGAAG, p.Tyr2809fs (NM_001018037.2); c.8543_8544delinsGTTTTGACACTGAAG, p.Tyr2848fs (NM_001018038.3, NM_015186.4); short protein forms Y2848fs, Y2809fs.
Identifiers: ClinVar variation 5004079 (VCV005004079.1).